The following is an entry in ClinVar:

NM_006063.3(KLHL41):c.959C>T (p.Thr320Met)

Gene: KLHL41 (kelch like family member 41; plus strand). Cytogenetic location: 2q31.1.
Variant type: single nucleotide variant.
Coding change: c.959C>T on transcript NM_006063.3 (MANE Select); coding-DNA position 959, C replaced by T.
Protein change: p.Thr320Met; replaces threonine 320 with methionine.
Molecular consequence: missense variant.
Genome position (GRCh38, 1-based): chr2:169,510,737, C>T. VCF-style: chr2-169510737-C-T. GRCh37 (hg19) VCF-style: chr2-170367247-C-T.
Other names: short protein forms T320M.
Identifiers: ClinVar variation 1006814 (VCV001006814.8), dbSNP rs781536513, ClinGen allele CA1956582.
Genomic context (GRCh38, chr2:169,510,737, plus strand): 5'-TGTTTGTAAAAGACCTCATCCTCTTGGTTAATGACACAGCAGCAGTGGCTTATGACCCCA[C>T]GGAAAATGAATGCTACCTTACTGCACTGGCTGAGCAGATTCCCAGAAATCATTCCAGCAT-3'
Protein context (NP_006054.2, residues 310-330): NDTAAVAYDP[Thr320Met]ENECYLTALA

ClinVar aggregate classification (germline): Uncertain significance (1 of 4 stars; one submission).

Conditions:
Nemaline myopathy 9 (NEM9). Identifiers: MedGen C3810384, MONDO:0014326, OMIM 615731.

Allele frequency attached by ClinVar (database versions not stated): gnomAD 0.00001; TOPMed 0.00001; gnomAD exomes 0.00002; ExAC 0.00003.
gnomAD v4.1: 20 of 1,614,046 alleles (0.0012%); highest among the groups gnomAD compares: South Asian, 0.0033%; no homozygotes.

Submission:

Labcorp Genetics (formerly Invitae), Labcorp
Classification: Uncertain significance for Nemaline myopathy 9. Last evaluated: 2024-04-05. Review status: criteria provided, single submitter. Criteria: Invitae Variant Classification Sherloc (09022015). Collection method: clinical testing. Allele origin: germline.
Comment: This sequence change replaces threonine, which is neutral and polar, with methionine, which is neutral and non-polar, at codon 320 of the KLHL41 protein (p.Thr320Met). This variant is present in population databases (rs781536513, gnomAD 0.004%). This variant has not been reported in the literature in individuals affected with KLHL41-related conditions. ClinVar contains an entry for this variant (Variation ID: 1006814). Algorithms developed to predict the effect of missense changes on protein structure and function output the following: SIFT: "Not Available"; PolyPhen-2: "Benign"; Align-GVGD: "Not Available". The methionine amino acid residue is found in multiple mammalian species, which suggests that this missense change does not adversely affect protein function. In summary, the available evidence is currently insufficient to determine the role of this variant in disease. Therefore, it has been classified as a Variant of Uncertain Significance.